The following is an entry in ClinVar:

ClinVar aggregate classification (germline): Uncertain significance (1 of 4 stars; one submission).

Conditions:
Epileptic encephalopathy. Identifiers: MedGen C0543888, HP:0200134.

Allele frequency attached by ClinVar (database versions not stated): ExAC 0.00001; gnomAD 0.00001; TOPMed 0.00001.
gnomAD v4.1: 13 of 1,613,662 alleles (0.00081%); highest among the groups gnomAD compares: South Asian, 0.0022%; no homozygotes.

Submission:

Labcorp Genetics (formerly Invitae), Labcorp
Classification: Uncertain significance for Epileptic encephalopathy. Last evaluated: 2018-09-20. Review status: criteria provided, single submitter. Criteria: Invitae Variant Classification Sherloc (09022015). Collection method: clinical testing. Allele origin: germline.
Comment: The current clinical and genetic evidence is not sufficient to establish whether loss-of-function variants in RYR3 cause disease. This sequence change creates a premature translational stop signal (p.Arg634*) in the RYR3 gene. It is expected to result in an absent or disrupted protein product. This variant is present in population databases (rs780640652, ExAC 0.006%). This variant has not been reported in the literature in individuals with RYR3-related disease. In summary, the available evidence is currently insufficient to determine the role of this variant in disease. Therefore, it has been classified as a Variant of Uncertain Significance.

NM_001036.6(RYR3):c.1900C>T (p.Arg634Ter)

Gene: RYR3 (ryanodine receptor 3; plus strand). Cytogenetic location: 15q14.
Variant type: single nucleotide variant.
Coding change: c.1900C>T on transcript NM_001036.6 (MANE Select); coding-DNA position 1900, C replaced by T.
Protein change: p.Arg634Ter; replaces arginine 634 with a stop codon.
Molecular consequence: nonsense.
Genome position (GRCh38, 1-based): chr15:33,601,530, C>T. VCF-style: chr15-33601530-C-T. GRCh37 (hg19) VCF-style: chr15-33893731-C-T.
Other names: c.1900C>T, p.Arg634Ter (NM_001243996.4); short protein forms R634*.
Identifiers: ClinVar variation 658807 (VCV000658807.6), dbSNP rs780640652, ClinGen allele CA7458270.